The following is an entry in ClinVar:

ClinVar aggregate classification (germline): Uncertain significance (1 of 4 stars; one submission).

Submission:

GeneDx
Classification: Uncertain significance. Last evaluated: 2026-02-10. Review status: criteria provided, single submitter. Criteria: GeneDx Variant Classification Process June 2021. Collection method: clinical testing. Allele origin: germline.
Comment: Not observed at significant frequency in large population cohorts (gnomAD); In silico analysis suggests that this missense variant does not alter protein structure/function; Has not been previously published as pathogenic or benign to our knowledge

NM_004500.4(HNRNPC):c.317+18C>T

Gene: HNRNPC (heterogeneous nuclear ribonucleoprotein C; minus strand). Cytogenetic location: 14q11.2.
Variant type: single nucleotide variant.
Coding change: c.317+18C>T on transcript NM_004500.4 (MANE Select); 18 bases into the intron after coding-DNA position 317, C replaced by T.
Molecular consequence: intron variant. On other transcripts: missense variant (2).
Genome position (GRCh38, 1-based): chr14:21,230,979, G>A on the plus strand (C>T on the coding strand, the complement: HNRNPC is on the minus strand). VCF-style: chr14-21230979-G-A. GRCh37 (hg19) VCF-style: chr14-21699138-G-A.
Other names: c.335C>T, p.Pro112Leu (NM_001077442.2, NM_031314.3); c.317+18C>T (NM_001077443.2); short protein forms P112L.
Identifiers: ClinVar variation 4976565 (VCV004976565.1).